The following is an entry in ClinVar:

NM_005359.6(SMAD4):c.557C>T (p.Pro186Leu)

Gene: SMAD4 (SMAD family member 4; plus strand). Cytogenetic location: 18q21.2.
Variant type: single nucleotide variant.
Coding change: c.557C>T on transcript NM_005359.6 (MANE Select); coding-DNA position 557, C replaced by T.
Protein change: p.Pro186Leu; replaces proline 186 with leucine.
Molecular consequence: missense variant.
Genome position (GRCh38, 1-based): chr18:51,054,883, C>T. VCF-style: chr18-51054883-C-T. GRCh37 (hg19) VCF-style: chr18-48581253-C-T.
Other names: short protein forms P186L.
Identifiers: ClinVar variation 861913 (VCV000861913.10), dbSNP rs1909798390, ClinGen allele CA402460961.

ClinVar aggregate classification (germline): Uncertain significance. Review status: criteria provided, multiple submitters, no conflicts (2 of 4 stars). 2 submissions from 2 submitters: Uncertain significance (2). Last evaluated 2026-01-26.

Conditions:
Juvenile polyposis syndrome (JPS). Identifiers: Orphanet 2929, MedGen C0345893, MONDO:0017380, OMIM 174900.

Submissions (2):

Labcorp Genetics (formerly Invitae), Labcorp
Classification: Uncertain significance for Juvenile polyposis syndrome. Last evaluated: 2026-01-26. Review status: criteria provided, single submitter. Criteria: Invitae Variant Classification Sherloc (09022015). Collection method: clinical testing. Allele origin: germline.
Comment: This sequence change replaces proline, which is neutral and non-polar, with leucine, which is neutral and non-polar, at codon 186 of the SMAD4 protein (p.Pro186Leu). This variant is not present in population databases (gnomAD no frequency). This variant has not been reported in the literature in individuals affected with SMAD4-related conditions. ClinVar contains an entry for this variant (Variation ID: 861913). Invitae Evidence Modeling of protein sequence and biophysical properties (such as structural, functional, and spatial information, amino acid conservation, physicochemical variation, residue mobility, and thermodynamic stability) has been performed for this missense variant. However, the output from this modeling did not meet the statistical confidence thresholds required to predict the impact of this variant on SMAD4 protein function. In summary, the available evidence is currently insufficient to determine the role of this variant in disease. Therefore, it has been classified as a Variant of Uncertain Significance.

GeneDx
Classification: Uncertain significance. Last evaluated: 2023-11-07. Review status: criteria provided, single submitter. Criteria: GeneDx Variant Classification Process June 2021. Collection method: clinical testing. Allele origin: germline. Affected: yes.
Comment: Not observed at significant frequency in large population cohorts (gnomAD); In silico analysis supports that this missense variant has a deleterious effect on protein structure/function; Has not been previously published as pathogenic or benign to our knowledge; This variant is associated with the following publications: (PMID: 18823382, 22992590, 15235019)